The following is an entry in ClinVar:

ClinVar aggregate classification (germline): Likely benign (1 of 4 stars; one submission).

gnomAD v4.1: 5 of 1,535,992 alleles (0.00033%); highest among the groups gnomAD compares: Middle Eastern, 0.033%; no homozygotes.

Submission:

CeGaT Center for Human Genetics Tuebingen
Classification: Likely benign. Last evaluated: 2025-09-01. Review status: criteria provided, single submitter. Criteria: CeGaT Center For Human Genetics Tuebingen Variant Classification Criteria Version 2. Collection method: clinical testing. Allele origin: germline. Affected: yes. Observed: 1 variant allele.
Comment: MLIP: BP4, BP7

NM_001281747.2(MLIP):c.1143C>T (p.Thr381=)

Gene: MLIP (muscular LMNA interacting protein; plus strand). Cytogenetic location: 6p12.1.
Variant type: single nucleotide variant.
Coding change: c.1143C>T on transcript NM_001281747.2 (MANE Select); coding-DNA position 1143, C replaced by T.
Protein change: p.Thr381=; no amino-acid change (threonine 381 retained).
Molecular consequence: synonymous variant. On other transcripts: intron variant (1).
Genome position (GRCh38, 1-based): chr6:54,137,212, C>T. VCF-style: chr6-54137212-C-T. GRCh37 (hg19) VCF-style: chr6-54002010-C-T.
Other names: c.1110C>T, p.Thr370= (NM_001281746.2); c.613-11844C>T (NM_138569.3).
Identifiers: ClinVar variation 4280803 (VCV004280803.7).